The following is an entry in ClinVar:

ClinVar aggregate classification (germline): Benign. Review status: criteria provided, multiple submitters, no conflicts (2 of 4 stars). 3 submissions from 2 submitters: Benign (3). Last evaluated 2018-01-12.

Conditions:
Van der Woude syndrome 1. Also called: CLEFT LIP AND/OR PALATE WITH MUCOUS CYSTS OF LOWER LIP; van der Woude Syndrome (VWS). Identifiers: MedGen C4551864, MONDO:0007333, OMIM 119300.
Orofacial cleft 6, susceptibility to (OFC6). Also called: CLEFT LIP WITH OR WITHOUT CLEFT PALATE, NONSYNDROMIC, 6. Identifiers: MedGen C1837213, MONDO:0012141, OMIM 608864.

Allele frequency attached by ClinVar (database versions not stated): gnomAD exomes 0.75000; 1000 Genomes Project 30x 0.80700; 1000 Genomes Project 0.80811; gnomAD 0.80824 and 0.81024; TOPMed 0.81382.
gnomAD v4.1: 122,953 of 152,042 alleles (81%); highest among the groups gnomAD compares: African/African-American, 85%; 49,787 homozygotes.

Submissions (3):

Illumina Laboratory Services, Illumina
Classification: Benign for Van der Woude syndrome 1. Last evaluated: 2018-01-12. Review status: criteria provided, single submitter. Criteria: ICSL Variant Classification Criteria 13 December 2019. Collection method: clinical testing. Allele origin: germline.
Comment: This variant was observed in the ICSL laboratory as part of a predisposition screen in an ostensibly healthy population. It had not been previously curated by ICSL or reported in the Human Gene Mutation Database (HGMD: prior to June 1st, 2018), and was therefore a candidate for classification through an automated scoring system. Utilizing variant allele frequency, disease prevalence and penetrance estimates, and inheritance mode, an automated score was calculated to assess if this variant is too frequent to cause the disease. Based on the score and internal cut-off values, a variant classified as benign is not then subjected to further curation. The score for this variant resulted in a classification of benign for this disease.

Illumina Laboratory Services, Illumina
Classification: Benign for Orofacial cleft 6, susceptibility to. Last evaluated: 2018-01-12. Review status: criteria provided, single submitter. Criteria: ICSL Variant Classification Criteria 13 December 2019. Collection method: clinical testing. Allele origin: germline.
Comment: the same text as in the submission from Illumina Laboratory Services, Illumina above.

Breakthrough Genomics
Classification: Benign. Review status: criteria provided, single submitter. Criteria: ACMG Guidelines, 2015. Collection method: not provided. Allele origin: germline. Inheritance: Autosomal dominant inheritance. Affected: yes.

NM_006147.4(IRF6):c.*1893C>T

Gene: IRF6 (interferon regulatory factor 6; minus strand). Cytogenetic location: 1q32.2.
Variant type: single nucleotide variant.
Coding change: c.*1893C>T on transcript NM_006147.4 (MANE Select); 1893 bases downstream of the stop codon, C replaced by T.
Molecular consequence: 3 prime UTR variant.
Genome position (GRCh38, 1-based): chr1:209,786,527, G>A on the plus strand (C>T on the coding strand, the complement: IRF6 is on the minus strand). VCF-style: chr1-209786527-G-A. GRCh37 (hg19) VCF-style: chr1-209959872-G-A.
Other names: c.*1893C>T (NM_001206696.2).
Identifiers: ClinVar variation 295178 (VCV000295178.6), dbSNP rs680331, ClinGen allele CA10609672.